The following is an entry in ClinVar:

ClinVar aggregate classification (germline): Uncertain significance (1 of 4 stars; one submission).

Submission:

Labcorp Genetics (formerly Invitae), Labcorp
Classification: Uncertain significance. Last evaluated: 2022-12-07. Review status: criteria provided, single submitter. Criteria: Invitae Variant Classification Sherloc (09022015). Collection method: clinical testing. Allele origin: germline.
Comment: This variant has not been reported in the literature in individuals affected with LAMTOR2-related conditions. This sequence change replaces threonine, which is neutral and polar, with serine, which is neutral and polar, at codon 84 of the LAMTOR2 protein (p.Thr84Ser). This variant is not present in population databases (gnomAD no frequency). Algorithms developed to predict the effect of missense changes on protein structure and function (SIFT, PolyPhen-2, Align-GVGD) all suggest that this variant is likely to be tolerated. In summary, the available evidence is currently insufficient to determine the role of this variant in disease. Therefore, it has been classified as a Variant of Uncertain Significance.

NM_014017.4(LAMTOR2):c.251C>G (p.Thr84Ser)

Gene: LAMTOR2 (late endosomal/lysosomal adaptor, MAPK and MTOR activator 2; plus strand). Cytogenetic location: 1q22.
Variant type: single nucleotide variant.
Coding change: c.251C>G on transcript NM_014017.4 (MANE Select); coding-DNA position 251, C replaced by G.
Protein change: p.Thr84Ser; replaces threonine 84 with serine.
Molecular consequence: missense variant. On other transcripts: intron variant (1).
Genome position (GRCh38, 1-based): chr1:156,057,997, C>G. VCF-style: chr1-156057997-C-G. GRCh37 (hg19) VCF-style: chr1-156027788-C-G.
Other names: c.232-318C>G (NM_001145264.2); short protein forms T84S.
Identifiers: ClinVar variation 2819103 (VCV002819103.3), dbSNP rs2527695181, ClinGen allele CA342816056.